The following is an entry in ClinVar:

NM_177438.3(DICER1):c.2617G>C (p.Asp873His)

Gene: DICER1 (dicer 1, ribonuclease III; minus strand). Cytogenetic location: 14q32.13.
Variant type: single nucleotide variant.
Coding change: c.2617G>C on transcript NM_177438.3 (MANE Select); coding-DNA position 2617, G replaced by C.
Protein change: p.Asp873His; replaces aspartic acid 873 with histidine.
Molecular consequence: missense variant.
Genome position (GRCh38, 1-based): chr14:95,107,913, C>G on the plus strand (G>C on the coding strand, the complement: DICER1 is on the minus strand). VCF-style: chr14-95107913-C-G. GRCh37 (hg19) VCF-style: chr14-95574250-C-G.
Other names: c.2617G>C, p.Asp873His (NM_001195573.1, NM_001271282.3, NM_001291628.2 and 1 more transcripts); short protein forms D873H.
Identifiers: ClinVar variation 412197 (VCV000412197.19), dbSNP rs774672421, ClinGen allele CA7331217.
Genomic context (GRCh38, chr14:95,107,913, plus strand): 5'-TATCAAAGTAAGAGATTTTTTTCTTACCAACATTAAGAGGTAGAACACAGTATGCTGAAT[C>G]AGCGTCTGTAGGTTTAAATTCTAGTGCAGGTTTTTCAAGCCGAAGAATATGTGAGAATAT-3'
Protein context (NP_803187.1, residues 863-883): PALEFKPTDA[Asp873His]SAYCVLPLNV

ClinVar aggregate classification (germline): Likely benign. Review status: criteria provided, multiple submitters, no conflicts (2 of 4 stars). 4 submissions from 4 submitters: Likely benign (4). Last evaluated 2026-05-17.

Conditions:
DICER1-related disorder. Also called: DICER1-related condition.
DICER1-related tumor predisposition. Also called: DICER1 syndrome; DICER1-related pleuropulmonary blastoma cancer predisposition syndrome. Identifiers: Orphanet 284343, MedGen C3839822, MONDO:0100216.
Hereditary cancer-predisposing syndrome. Also called: Neoplastic Syndromes, Hereditary; Tumor predisposition; Hereditary Cancer Syndrome; Hereditary neoplastic syndrome. Identifiers: Orphanet 140162, MedGen C0027672, MeSH D009386, MONDO:0015356.

Allele frequency attached by ClinVar (database versions not stated): TOPMed 0.00001; ExAC 0.00004; gnomAD exomes 0.00007.
gnomAD v4.1: 17 of 1,614,058 alleles (0.0011%); highest among the groups gnomAD compares: Admixed American, 0.028%; no homozygotes.

Submissions (4):

PreventionGenetics, part of Exact Sciences
Classification: Likely benign for DICER1-related condition. Last evaluated: 2026-05-17. Review status: criteria provided, single submitter. Criteria: ACMG Guidelines, 2015. Collection method: clinical testing. Allele origin: germline.
Comment: This variant is classified as likely benign based on ACMG/AMP sequence variant interpretation guidelines (Richards et al. 2015 PMID: 25741868, with internal and published modifications).

Labcorp Genetics (formerly Invitae), Labcorp
Classification: Likely benign for DICER1-related tumor predisposition. Last evaluated: 2025-12-09. Review status: criteria provided, single submitter. Criteria: Invitae Variant Classification Sherloc (09022015). Collection method: clinical testing. Allele origin: germline.

Quest Diagnostics Nichols Institute San Juan Capistrano
Classification: Likely benign. Last evaluated: 2023-05-27. Review status: criteria provided, single submitter. Criteria: Quest Diagnostics criteria. Collection method: clinical testing. Allele origin: unknown.

Ambry Genetics
Classification: Likely benign for Hereditary cancer-predisposing syndrome. Last evaluated: 2021-11-10. Review status: criteria provided, single submitter. Criteria: Ambry Variant Classification Scheme 2023. Collection method: clinical testing. Allele origin: germline.